The following is an entry in ClinVar:

NM_001365536.1(SCN9A):c.1436G>A (p.Arg479Lys)

Genes: SCN1A-AS1 (SCN1A and SCN9A antisense RNA 1; plus strand), SCN9A (sodium voltage-gated channel alpha subunit 9; minus strand). Cytogenetic location: 2q24.3.
Variant type: single nucleotide variant.
Coding change: c.1436G>A on transcript NM_001365536.1 (MANE Select); coding-DNA position 1436, G replaced by A.
Protein change: p.Arg479Lys; replaces arginine 479 with lysine.
Molecular consequence: missense variant.
Genome position (GRCh38, 1-based): chr2:166,286,502, C>T on the plus strand (G>A on the coding strand, the complement: SCN9A is on the minus strand). VCF-style: chr2-166286502-C-T. GRCh37 (hg19) VCF-style: chr2-167143012-C-T.
Other names: c.1436G>A, p.Arg479Lys (NM_002977.4); short protein forms R479K.
Identifiers: ClinVar variation 2932602 (VCV002932602.3), dbSNP rs2468040778, ClinGen allele CA349084749.

ClinVar aggregate classification (germline): Uncertain significance (1 of 4 stars; one submission).

Conditions:
Neuropathy, hereditary sensory and autonomic, type 2A (HSAN2A). Also called: ACROOSTEOLYSIS, GIACCAI TYPE; ACROOSTEOLYSIS, NEUROGENIC; WNK1-Related HSAN2 (HSAN2A); MORVAN DISEASE; NEUROPATHY, CONGENITAL SENSORY; NEUROPATHY, HEREDITARY SENSORY RADICULAR, AUTOSOMAL RECESSIVE. Identifiers: Orphanet 970, MedGen C2752089, MONDO:0024309, OMIM 201300.
Generalized epilepsy with febrile seizures plus, type 7 (GEFSP7). Also called: GEFS+, TYPE 7. Identifiers: Orphanet 36387, MedGen C2751778, MONDO:0013470, OMIM 613863.

Submission:

Labcorp Genetics (formerly Invitae), Labcorp
Classification: Uncertain significance for Neuropathy, hereditary sensory and autonomic, type 2A; Generalized epilepsy with febrile seizures plus, type 7. Last evaluated: 2023-09-26. Review status: criteria provided, single submitter. Criteria: Invitae Variant Classification Sherloc (09022015). Collection method: clinical testing. Allele origin: germline.
Comment: This sequence change replaces arginine, which is basic and polar, with lysine, which is basic and polar, at codon 479 of the SCN9A protein (p.Arg479Lys). This variant is not present in population databases (gnomAD no frequency). This variant has not been reported in the literature in individuals affected with SCN9A-related conditions. Advanced modeling of protein sequence and biophysical properties (such as structural, functional, and spatial information, amino acid conservation, physicochemical variation, residue mobility, and thermodynamic stability) performed at Invitae indicates that this missense variant is not expected to disrupt SCN9A protein function. In summary, the available evidence is currently insufficient to determine the role of this variant in disease. Therefore, it has been classified as a Variant of Uncertain Significance.